The following is an entry in ClinVar:

ClinVar aggregate classification (germline): Uncertain significance (1 of 4 stars; one submission).

Submission:

GeneDx
Classification: Uncertain significance. Last evaluated: 2016-06-17. Review status: criteria provided, single submitter. Criteria: GeneDx Variant Classification (06012015). Collection method: clinical testing. Allele origin: germline. Affected: yes.
Comment: The T65A variant in the ATP2B3 gene has not been reported previously as a pathogenic variant, nor as a benign variant, to our knowledge. The T65A variant was not observed in approximately 6,500 individuals of European and African American ancestry in the NHLBI Exome Sequencing Project, indicating it is not a common benign variant in these populations. The T65A variant is a non-conservative amino acid substitution, which is likely to impact secondary protein structure as these residues differ in polarity, charge, size and/or other properties. This substitution occurs at a position that is conserved across species. In silico analysis is inconsistent in its predictions as to whether or not the variant is damaging to the protein structure/function. We interpret T65A as a variant of uncertain significance.

NM_001001344.3(ATP2B3):c.193A>G (p.Thr65Ala)

Gene: ATP2B3 (ATPase plasma membrane Ca2+ transporting 3; plus strand). Cytogenetic location: Xq28.
Variant type: single nucleotide variant.
Coding change: c.193A>G on transcript NM_001001344.3 (MANE Select); coding-DNA position 193, A replaced by G.
Protein change: p.Thr65Ala; replaces threonine 65 with alanine.
Molecular consequence: missense variant.
Genome position (GRCh38, 1-based): chrX:153,536,440, A>G. VCF-style: chrX-153536440-A-G. GRCh37 (hg19) VCF-style: chrX-152801898-A-G.
Other names: c.193A>G, p.Thr65Ala (NM_001388360.1, NM_001388361.1, NM_001388362.1 and 1 more transcripts); short protein forms T65A.
Identifiers: ClinVar variation 387115 (VCV000387115.2), dbSNP rs1057522698, ClinGen allele CA16608722.